The following is an entry in ClinVar:

ClinVar aggregate classification (germline): Pathogenic (1 of 4 stars; one submission).

Submission:

Labcorp Genetics (formerly Invitae), Labcorp
Classification: Pathogenic. Last evaluated: 2022-10-05. Review status: criteria provided, single submitter. Criteria: Invitae Variant Classification Sherloc (09022015). Collection method: clinical testing. Allele origin: germline.
Comment: For these reasons, this variant has been classified as Pathogenic. This variant has not been reported in the literature in individuals affected with REL-related conditions. A gross deletion of the genomic region encompassing the full coding sequence of the REL gene has been identified. Loss-of-function variants in REL are known to be pathogenic (PMID: 31103457, 34623332). The boundaries of this event are unknown as they extend beyond the assayed region for this gene and therefore may encompass additional genes.

Literature cited by the submitters: PubMed 31103457; PubMed 34623332.

NC_000002.11:g.(?_61108976)_(61275905_?)del

Genes: PUS10 (pseudouridine synthase 10; minus strand), PEX13 (peroxisomal biogenesis factor 13; plus strand), REL (REL proto-oncogene, NF-kB subunit; plus strand). Cytogenetic location: 2p16.1.
Variant type: Deletion.
Identifiers: ClinVar variation 2424571 (VCV002424571.4).